The following is an entry in ClinVar:

ClinVar aggregate classification (germline): Likely benign (1 of 4 stars; one submission).

gnomAD v4.1: 1 of 1,613,678 alleles (0.000062%); highest among the groups gnomAD compares: Non-Finnish European, 0.000085%; no homozygotes.

Submission:

CeGaT Center for Human Genetics Tuebingen
Classification: Likely benign. Last evaluated: 2022-07-01. Review status: criteria provided, single submitter. Criteria: CeGaT Center For Human Genetics Tuebingen Variant Classification Criteria Version 2. Collection method: clinical testing. Allele origin: germline. Affected: yes. Observed: 1 variant allele.
Comment: SGPL1: PM2:Supporting, BP4, BP7

NM_003901.4(SGPL1):c.828C>T (p.Ile276=)

Gene: SGPL1 (sphingosine-1-phosphate lyase 1; plus strand). Cytogenetic location: 10q22.1.
Variant type: single nucleotide variant.
Coding change: c.828C>T on transcript NM_003901.4 (MANE Select); coding-DNA position 828, C replaced by T.
Protein change: p.Ile276=; no amino-acid change (isoleucine 276 retained).
Molecular consequence: synonymous variant.
Genome position (GRCh38, 1-based): chr10:70,871,065, C>T. VCF-style: chr10-70871065-C-T. GRCh37 (hg19) VCF-style: chr10-72630822-C-T.
Identifiers: ClinVar variation 2640561 (VCV002640561.24), dbSNP rs1224822729, ClinGen allele CA470051651.
Genomic context (GRCh38, chr10:70,871,065, plus strand): 5'-TGTGACATAGATTCTCATTTTCCTTTAAACTTTAAATCCCTAGGCAATGAGAAGAGCTAT[C>T]TCCAGGAACACTGCCATGCTCGTCTGTTCTACCCCACAGTTTCCTCATGGTGTAATAGAT-3'
Protein context (NP_003892.2, residues 266-286): EVDVRAMRRA[Ile276=]SRNTAMLVCS